The following is an entry in ClinVar:

ClinVar aggregate classification (germline): Benign/Likely benign. Review status: criteria provided, multiple submitters, no conflicts (2 of 4 stars). 2 submissions from 2 submitters: Benign (1); Likely benign (1). Last evaluated 2025-02-04.

Conditions:
Ataxia-telangiectasia syndrome (AT). Also called: LOUIS-BAR SYNDROME; Cerebello-oculocutaneous telangiectasia; Immunodeficiency with ataxia telangiectasia; ATAXIA-TELANGIECTASIA, COMPLEMENTATION GROUP A; ATAXIA-TELANGIECTASIA, FRESNO VARIANT; Ataxia-telangiectasia, complementation group D. Identifiers: Orphanet 100, MedGen C0004135, MONDO:0008840, OMIM 208900.
Familial cancer of breast. Also called: hereditary breast carcinoma; BREAST CANCER, FAMILIAL; Hereditary breast cancer. Identifiers: Orphanet 227535, MedGen C0346153, MONDO:0016419, OMIM 114480. Disease mechanism: loss of function.

Submissions (2):

Labcorp Genetics (formerly Invitae), Labcorp
Classification: Likely benign for Ataxia-telangiectasia syndrome. Last evaluated: 2025-02-04. Review status: criteria provided, single submitter. Criteria: Invitae Variant Classification Sherloc (09022015). Collection method: clinical testing. Allele origin: germline.

Myriad Genetics, Inc.
Classification: Benign for Familial cancer of breast. Last evaluated: 2024-04-19. Review status: criteria provided, single submitter. Criteria: Myriad Autosomal Dominant, Autosomal Recessive and X-Linked Classification Criteria (2023). Collection method: clinical testing. Allele origin: unknown.
Comment: This variant is considered benign. This variant is a silent/synonymous amino acid change and it is not expected to impact splicing.

NM_000051.4(ATM):c.588A>G (p.Lys196=)

Gene: ATM (ATM serine/threonine kinase; plus strand). Cytogenetic location: 11q22.3.
Variant type: single nucleotide variant.
Coding change: c.588A>G on transcript NM_000051.4 (MANE Select); coding-DNA position 588, A replaced by G.
Protein change: p.Lys196=; no amino-acid change (lysine 196 retained).
Molecular consequence: synonymous variant.
Genome position (GRCh38, 1-based): chr11:108,244,044, A>G. VCF-style: chr11-108244044-A-G. GRCh37 (hg19) VCF-style: chr11-108114771-A-G.
Other names: c.588A>G, p.Lys196= (NM_001351834.2).
Identifiers: ClinVar variation 1411831 (VCV001411831.9), dbSNP rs2135224945, ClinGen allele CA476671448.